The following is an entry in ClinVar:

NM_000135.4(FANCA):c.1430del (p.Leu477fs)

Gene: FANCA (FA complementation group A; minus strand). Cytogenetic location: 16q24.3.
Variant type: Deletion.
Coding change: c.1430del on transcript NM_000135.4 (MANE Select); coding-DNA position 1430, one base deleted (T; older notation c.1430delT).
Protein change: p.Leu477fs; shifts the reading frame from leucine 477.
Molecular consequence: frameshift variant.
Genome position (GRCh38, 1-based): chr16:89,784,894, A deleted on the plus strand (T on the coding strand, the reverse complement: FANCA is on the minus strand); the first of 2 consecutive A bases (chr16:89,784,894-89,784,895); deleting either gives the same sequence. VCF-style (leftmost placement, unchanged base first): chr16-89784893-CA-C. GRCh37 (hg19) VCF-style: chr16-89851301-CA-C.
Other names: c.1430del, p.Leu477fs (NM_001286167.3); short protein forms L477fs.
Identifiers: ClinVar variation 974122 (VCV000974122.1), dbSNP rs2039845956, ClinGen allele CA1139665030.
Genomic context (GRCh38, chr16:89,784,893, plus strand): 5'-ATGTGGCAGCCAGCTTCTCACCTGCAGGTACCGGGGAGACTCAAAAGGCACGAGTTCTGA[CA>C]AGAACGTAAACAGGAAGACCAGGGCCTTCTTGCTGCAGCCATGGTAGCCTCGTGTGCTCC-3'

ClinVar aggregate classification (germline): Pathogenic (0 of 4 stars; one submission).

Conditions:
Fanconi anemia complementation group A (FANCA). Also called: Fanconi anemia, group A; FANCA-Related Fanconi Anemia. Identifiers: Orphanet 84, MedGen C3469521, MONDO:0009215, OMIM 227650.

Submission:

Leiden Open Variation Database
Classification: Pathogenic for Fanconi anemia complementation group A. Last evaluated: 2020-02-28. Review status: no assertion criteria provided. Collection method: curation. Allele origin: germline. Affected: yes.
Comment: Curator: Arleen D. Auerbach. Submitter to LOVD: Arleen D. Auerbach.